The following is an entry in ClinVar:

NM_052947.4(ALPK2):c.5366T>C (p.Leu1789Pro)

Gene: ALPK2 (alpha kinase 2; minus strand). Cytogenetic location: 18q21.31.
Variant type: single nucleotide variant.
Coding change: c.5366T>C on transcript NM_052947.4 (MANE Select); coding-DNA position 5366, T replaced by C.
Protein change: p.Leu1789Pro; replaces leucine 1789 with proline.
Molecular consequence: missense variant.
Genome position (GRCh38, 1-based): chr18:58,529,226, A>G on the plus strand (T>C on the coding strand, the complement: ALPK2 is on the minus strand). VCF-style: chr18-58529226-A-G. GRCh37 (hg19) VCF-style: chr18-56196458-A-G.
Other names: short protein forms L1789P.
Identifiers: ClinVar variation 2450738 (VCV002450738.2), dbSNP rs1322998299, ClinGen allele CA402554317.

ClinVar aggregate classification (germline): Uncertain significance (1 of 4 stars; one submission).

Allele frequency attached by ClinVar (database versions not stated): TOPMed 0.00001; gnomAD 0.00002; gnomAD exomes 0.00005.
gnomAD v4.1: 70 of 1,612,124 alleles (0.0043%); highest among the groups gnomAD compares: Non-Finnish European, 0.0059%; no homozygotes.

Submission:

Ambry Genetics
Classification: Uncertain significance. Last evaluated: 2023-03-02. Review status: criteria provided, single submitter. Criteria: Ambry Variant Classification Scheme 2023. Collection method: clinical testing. Allele origin: germline.
Comment: The p.L1789P variant (also known as c.5366T>C), located in coding exon 5 of the ALPK2 gene, results from a T to C substitution at nucleotide position 5366. The leucine at codon 1789 is replaced by proline, an amino acid with similar properties. This amino acid position is conserved. In addition, the in silico prediction for this alteration is inconclusive. Since supporting evidence is limited at this time, the clinical significance of this alteration remains unclear.